The following is an entry in ClinVar:

ClinVar aggregate classification (germline): Conflicting classifications of pathogenicity. Review status: criteria provided, conflicting classifications (1 of 4 stars). 2 submissions from 2 submitters: Uncertain significance (1); Likely benign (1). Last evaluated 2026-01-13.

Conditions:
Developmental and epileptic encephalopathy, 25 (DEE25). Also called: Developmental and epileptic encephalopathy 25, with amelogenesis imperfecta; Epileptic encephalopathy, early infantile, 25, with amelogenesis imperfecta; Epileptic encephalopathy, early infantile, 25. Identifiers: Orphanet 442835, MedGen C4014621, MONDO:0014392, OMIM 615905.
Inborn genetic diseases. Identifiers: MedGen C0950123, MeSH D030342.

Allele frequency attached by ClinVar (database versions not stated): TOPMed 0.00012; gnomAD 0.00013; 1000 Genomes Project 30x 0.00062; 1000 Genomes Project 0.00080.
gnomAD v4.1: 96 of 1,609,696 alleles (0.006%); highest among the groups gnomAD compares: East Asian, 0.15%; 1 homozygote.

Submissions (2):

Labcorp Genetics (formerly Invitae), Labcorp
Classification: Likely benign for Developmental and epileptic encephalopathy, 25. Last evaluated: 2026-01-13. Review status: criteria provided, single submitter. Criteria: Invitae Variant Classification Sherloc (09022015). Collection method: clinical testing. Allele origin: germline.

Ambry Genetics
Classification: Uncertain significance for Inborn genetic diseases. Last evaluated: 2018-11-14. Review status: criteria provided, single submitter. Criteria: Ambry Variant Classification Scheme 2023. Collection method: clinical testing. Allele origin: germline.
Comment: The p.V431M variant (also known as c.1291G>A), located in coding exon 10 of the SLC13A5 gene, results from a G to A substitution at nucleotide position 1291. The valine at codon 431 is replaced by methionine, an amino acid with highly similar properties. This amino acid position is not well conserved in available vertebrate species. In addition, this alteration is predicted to be tolerated by in silico analysis. Since supporting evidence is limited at this time, the clinical significance of this alteration remains unclear.

NM_177550.5(SLC13A5):c.1291G>A (p.Val431Met)

Gene: SLC13A5 (solute carrier family 13 member 5; minus strand). Cytogenetic location: 17p13.1.
Variant type: single nucleotide variant.
Coding change: c.1291G>A on transcript NM_177550.5 (MANE Select); coding-DNA position 1291, G replaced by A.
Protein change: p.Val431Met; replaces valine 431 with methionine.
Molecular consequence: missense variant.
Genome position (GRCh38, 1-based): chr17:6,690,925, C>T on the plus strand (G>A on the coding strand, the complement: SLC13A5 is on the minus strand). VCF-style: chr17-6690925-C-T. GRCh37 (hg19) VCF-style: chr17-6594244-C-T.
Other names: c.1291G>A, p.Val431Met (NM_001143838.3); c.1240G>A, p.Val414Met (NM_001284509.2); c.1162G>A, p.Val388Met (NM_001284510.2); short protein forms V431M, V414M, V388M.
Identifiers: ClinVar variation 475192 (VCV000475192.14), dbSNP rs201036096, ClinGen allele CA8331422.